The following is an entry in ClinVar:

ClinVar aggregate classification (germline): Uncertain significance. Review status: criteria provided, multiple submitters, no conflicts (2 of 4 stars). 2 submissions from 2 submitters: Uncertain significance (2). Last evaluated 2025-09-25.

Conditions:
Primary ciliary dyskinesia. Also called: Ciliary dyskinesia. Identifiers: Orphanet 244, MedGen C0008780, MONDO:0016575, HP:0012265.

Allele frequency attached by ClinVar (database versions not stated): gnomAD 0.00005; gnomAD exomes 0.00006; TOPMed 0.00006; ExAC 0.00008; ESP Exome Variant Server 0.00015.
gnomAD v4.1: 73 of 1,528,258 alleles (0.0048%); highest among the groups gnomAD compares: Non-Finnish European, 0.0057%; no homozygotes.

Submissions (2):

Ambry Genetics
Classification: Uncertain significance for Primary ciliary dyskinesia. Last evaluated: 2025-09-25. Review status: criteria provided, single submitter. Criteria: Ambry Variant Classification Scheme 2023. Collection method: clinical testing. Allele origin: germline.

Labcorp Genetics (formerly Invitae), Labcorp
Classification: Uncertain significance for Primary ciliary dyskinesia. Last evaluated: 2023-11-02. Review status: criteria provided, single submitter. Criteria: Invitae Variant Classification Sherloc (09022015). Collection method: clinical testing. Allele origin: germline.
Comment: This sequence change replaces methionine, which is neutral and non-polar, with valine, which is neutral and non-polar, at codon 478 of the CCDC114 protein (p.Met478Val). This variant is present in population databases (rs149756874, gnomAD 0.01%). This variant has not been reported in the literature in individuals affected with CCDC114-related conditions. ClinVar contains an entry for this variant (Variation ID: 936059). An algorithm developed to predict the effect of missense changes on protein structure and function (PolyPhen-2) suggests that this variant is likely to be disruptive. In summary, the available evidence is currently insufficient to determine the role of this variant in disease. Therefore, it has been classified as a Variant of Uncertain Significance.

NM_001364171.2(ODAD1):c.1543A>G (p.Met515Val)

Gene: ODAD1 (outer dynein arm docking complex subunit 1; minus strand). Cytogenetic location: 19q13.33.
Variant type: single nucleotide variant.
Coding change: c.1543A>G on transcript NM_001364171.2 (MANE Select); coding-DNA position 1543, A replaced by G.
Protein change: p.Met515Val; replaces methionine 515 with valine.
Molecular consequence: missense variant.
Genome position (GRCh38, 1-based): chr19:48,297,628, T>C on the plus strand (A>G on the coding strand, the complement: ODAD1 is on the minus strand). VCF-style: chr19-48297628-T-C. GRCh37 (hg19) VCF-style: chr19-48800885-T-C.
Other names: c.1432A>G, p.Met478Val (NM_144577.4); short protein forms M478V, M515V.
Identifiers: ClinVar variation 936059 (VCV000936059.10), dbSNP rs149756874, ClinGen allele CA9548649.
Genomic context (GRCh38, chr19:48,297,628, plus strand): 5'-CCCCCGCAGGCCCCACTCTCACCAGCTTCTCCACTTGGCTCAGCAGCTCCTCCCTGCTCA[T>C]GGGGTAGTCATCGCTGGCCTCAAAACCCGGGGGGTCTTCTCTGGGGAGGGGAAGGAAAAT-3'
Protein context (NP_001351100.1, residues 505-525): PGFEASDDYP[Met515Val]SREELLSQVE